The following is an entry in ClinVar:

NM_173551.5(ANKS6):c.1048G>A (p.Ala350Thr)

Gene: ANKS6 (ankyrin repeat and sterile alpha motif domain containing 6; minus strand). Cytogenetic location: 9q22.33.
Variant type: single nucleotide variant.
Coding change: c.1048G>A on transcript NM_173551.5 (MANE Select); coding-DNA position 1048, G replaced by A.
Protein change: p.Ala350Thr; replaces alanine 350 with threonine.
Molecular consequence: missense variant.
Genome position (GRCh38, 1-based): chr9:98,784,017, C>T on the plus strand (G>A on the coding strand, the complement: ANKS6 is on the minus strand). VCF-style: chr9-98784017-C-T. GRCh37 (hg19) VCF-style: chr9-101546299-C-T.
Other names: c.1048G>A (NM_173551.4); short protein forms A350T.
Identifiers: ClinVar variation 2064458 (VCV002064458.6), dbSNP rs370396130, ClinGen allele CA5153647.

ClinVar aggregate classification (germline): Uncertain significance. Review status: criteria provided, multiple submitters, no conflicts (2 of 4 stars). 4 submissions from 4 submitters: Uncertain significance (4). Last evaluated 2025-12-30.

Conditions:
Nephronophthisis 16 (NPHP16). Identifiers: Orphanet 655, MedGen C3809320, MONDO:0014158, OMIM 615382.
Inborn genetic diseases. Identifiers: MedGen C0950123, MeSH D030342.
ANKS6-related disorder. Also called: ANKS6-related condition.

Allele frequency attached by ClinVar (database versions not stated): ExAC 0.00003; TOPMed 0.00006; ESP Exome Variant Server 0.00008; gnomAD 0.00008.
gnomAD v4.1: 31 of 1,611,004 alleles (0.0019%); highest among the groups gnomAD compares: African/African-American, 0.021%; no homozygotes.

Submissions (4):

PreventionGenetics, part of Exact Sciences
Classification: Uncertain significance for ANKS6-related condition. Last evaluated: 2025-12-30. Review status: criteria provided, single submitter. Criteria: ACMG Guidelines, 2015. Collection method: clinical testing. Allele origin: germline.
Comment: The ANKS6 c.1048G>A variant is predicted to result in the amino acid substitution p.Ala350Thr. To our knowledge, this variant has not been reported in the literature. This variant is reported in 0.021% of alleles in individuals of African descent in gnomAD. At this time, the clinical significance of this variant is uncertain due to the absence of conclusive functional and genetic evidence.

Fulgent Genetics
Classification: Uncertain significance for Nephronophthisis 16. Last evaluated: 2024-04-10. Review status: criteria provided, single submitter. Criteria: ACMG Guidelines, 2015. Collection method: clinical testing. Allele origin: germline.

Labcorp Genetics (formerly Invitae), Labcorp
Classification: Uncertain significance for Nephronophthisis 16. Last evaluated: 2023-06-13. Review status: criteria provided, single submitter. Criteria: Invitae Variant Classification Sherloc (09022015). Collection method: clinical testing. Allele origin: germline.
Comment: This sequence change replaces alanine, which is neutral and non-polar, with threonine, which is neutral and polar, at codon 350 of the ANKS6 protein (p.Ala350Thr). This variant is present in population databases (rs370396130, gnomAD 0.02%). This variant has not been reported in the literature in individuals affected with ANKS6-related conditions. ClinVar contains an entry for this variant (Variation ID: 2064458). An algorithm developed to predict the effect of missense changes on protein structure and function (PolyPhen-2) suggests that this variant is likely to be disruptive. In summary, the available evidence is currently insufficient to determine the role of this variant in disease. Therefore, it has been classified as a Variant of Uncertain Significance.

Ambry Genetics
Classification: Uncertain significance for Inborn genetic diseases. Last evaluated: 2022-11-21. Review status: criteria provided, single submitter. Criteria: Ambry Variant Classification Scheme 2023. Collection method: clinical testing. Allele origin: germline.